The following is an entry in ClinVar:

NM_001098668.4(SFTPA2):c.241G>A (p.Val81Ile)

Gene: SFTPA2 (surfactant protein A2; minus strand). Cytogenetic location: 10q22.3.
Variant type: single nucleotide variant.
Coding change: c.241G>A on transcript NM_001098668.4 (MANE Select); coding-DNA position 241, G replaced by A.
Protein change: p.Val81Ile; replaces valine 81 with isoleucine.
Molecular consequence: missense variant.
Genome position (GRCh38, 1-based): chr10:79,558,937, C>T on the plus strand (G>A on the coding strand, the complement: SFTPA2 is on the minus strand). VCF-style: chr10-79558937-C-T. GRCh37 (hg19) VCF-style: chr10-81318693-C-T.
Other names: c.241G>A, p.Val81Ile (NM_001320813.2); c.271G>A, p.Val91Ile (NM_001320814.1); short protein forms V81I, V91I.
Identifiers: ClinVar variation 3058342 (VCV003058342.2), dbSNP rs138975473, ClinGen allele CA5574140.

ClinVar aggregate classification (germline): Likely benign (0 of 4 stars; one submission).

Conditions:
SFTPA2-related disorder. Also called: SFTPA2-related condition.

Allele frequency attached by ClinVar (database versions not stated): 1000 Genomes Project 0.00040; TOPMed 0.00043; gnomAD 0.00046; 1000 Genomes Project 30x 0.00047; ESP Exome Variant Server 0.00054.
gnomAD v4.1: 722 of 1,614,104 alleles (0.045%); highest among the groups gnomAD compares: Admixed American, 0.055%; no homozygotes.

Submission:

PreventionGenetics, part of Exact Sciences
Classification: Likely benign for SFTPA2-related condition. Last evaluated: 2022-04-27. Review status: no assertion criteria provided. Collection method: clinical testing. Allele origin: germline.
Comment: This variant is classified as likely benign based on ACMG/AMP sequence variant interpretation guidelines (Richards et al. 2015 PMID: 25741868, with internal and published modifications).